The following is an entry in ClinVar:

ClinVar aggregate classification (germline): Benign/Likely benign. Review status: criteria provided, multiple submitters, no conflicts (2 of 4 stars). 7 submissions from 7 submitters: Benign (4); Likely benign (1). 2 of the submissions do not count toward it. Last evaluated 2026-01-13.

Conditions:
Absence seizure. Also called: Absence epilepsy. Identifiers: Orphanet 1941, MedGen C0014553.
Myoclonic epilepsy, juvenile, susceptibility to, 1. Also called: Myoclonic Epilepsy, Juvenile, 1; EJM1. Identifiers: MedGen C1850778, MONDO:0020752, OMIM 254770.
Juvenile myoclonic epilepsy (EJM). Also called: PETIT MAL, IMPULSIVE; JANZ SYNDROME. Identifiers: Orphanet 307, MedGen C0270853, MONDO:0009696.

Allele frequency attached by ClinVar (database versions not stated): 1000 Genomes Project 30x 0.04216; 1000 Genomes Project 0.04433; TOPMed 0.04569; gnomAD 0.05453; gnomAD exomes 0.06020 and 0.06030; ExAC 0.06051.
gnomAD v4.1: 95,296 of 1,613,812 alleles (5.9%); highest among the groups gnomAD compares: South Asian, 6.9%; 3,170 homozygotes.

Submissions (7):

Labcorp Genetics (formerly Invitae), Labcorp
Classification: Benign for Myoclonic epilepsy, juvenile, susceptibility to, 1; Absence seizure. Last evaluated: 2026-01-13. Review status: criteria provided, single submitter. Criteria: Invitae Variant Classification Sherloc (09022015). Collection method: clinical testing. Allele origin: germline.

Genomic Medicine Center of Excellence, King Faisal Specialist Hospital and Research Centre
Classification: Likely benign. Last evaluated: 2025-08-18. Review status: criteria provided, single submitter. Criteria: ACMG Guidelines, 2015. Collection method: clinical testing. Allele origin: germline.

Athena Diagnostics
Classification: Benign for Myoclonic epilepsy, juvenile, susceptibility to, 1. Last evaluated: 2017-05-08. Review status: criteria provided, single submitter. Criteria: Athena Diagnostics Criteria. Collection method: clinical testing. Allele origin: germline.

GeneDx
Classification: Benign. Last evaluated: 2015-03-03. Review status: criteria provided, single submitter. Criteria: GeneDx Variant Classification Process June 2021. Collection method: clinical testing. Allele origin: germline. Affected: yes.

PreventionGenetics, part of Exact Sciences
Classification: Benign. Review status: criteria provided, single submitter. Criteria: ACMG Guidelines, 2015. Collection method: clinical testing. Allele origin: germline.

OMIM
Classification: Uncertain significance for RECLASSIFIED - VARIANT OF UNKNOWN SIGNIFICANCE. Last evaluated: 2004-08-01. Review status: no assertion criteria provided. Collection method: literature only. Allele origin: germline. Not counted in ClinVar's aggregate classification.

Genetic Services Laboratory, University of Chicago
Classification: Likely benign for AllHighlyPenetrant. Review status: no assertion criteria provided. Collection method: clinical testing. Allele origin: germline. Not counted in ClinVar's aggregate classification.
Comment: Likely benign based on allele frequency in 1000 Genomes Project or ESP global frequency and its presence in a patient with a rare or unrelated disease phenotype. NOT Sanger confirmed.

Literature cited by the submitters: Hamosh, A. Personal Communication. 2017. Baltimore, Md. (cited by OMIM); PubMed 8737649 (cited by OMIM); PubMed 15258581 (cited by OMIM).

NM_018100.4(EFHC1):c.545G>A (p.Arg182His)

Gene: EFHC1 (EF-hand domain containing 1; plus strand). Cytogenetic location: 6p12.2.
Variant type: single nucleotide variant.
Coding change: c.545G>A on transcript NM_018100.4 (MANE Select); coding-DNA position 545, G replaced by A.
Protein change: p.Arg182His; replaces arginine 182 with histidine.
Molecular consequence: missense variant. On other transcripts: non-coding transcript variant (1).
Genome position (GRCh38, 1-based): chr6:52,438,563, G>A. VCF-style: chr6-52438563-G-A. GRCh37 (hg19) VCF-style: chr6-52303361-G-A.
Other names: c.488G>A, p.Arg163His (NM_001172420.2); short protein forms R182H, R163H.
Identifiers: ClinVar variation 2063 (VCV000002063.17), dbSNP rs3804505, ClinGen allele CA115318.